The following is an entry in ClinVar:

NM_000632.4(ITGAM):c.311C>T (p.Ala104Val)

Genes: ITGAM (integrin subunit alpha M; plus strand), LOC126862331 (P300/CBP strongly-dependent group 1 enhancer GRCh37_chr16:31276375-31277574; plus strand). Cytogenetic location: 16p11.2.
Variant type: single nucleotide variant.
Coding change: c.311C>T on transcript NM_000632.4 (MANE Select); coding-DNA position 311, C replaced by T.
Protein change: p.Ala104Val; replaces alanine 104 with valine.
Molecular consequence: missense variant.
Genome position (GRCh38, 1-based): chr16:31,266,031, C>T. VCF-style: chr16-31266031-C-T. GRCh37 (hg19) VCF-style: chr16-31277352-C-T.
Other names: c.311C>T, p.Ala104Val (NM_001145808.2); short protein forms A104V.
Identifiers: ClinVar variation 4724471 (VCV004724471.1).
Genomic context (GRCh38, chr16:31,266,031, plus strand): 5'-TGCTGGGGTACAAGGACAGGAAGCAGGGGCAGCCCCTTCCACTGGCTCCTGTCCCCTAGG[C>T]CTGTGGTCCCACCGTGCACCAGACTTGCAGTGAGAACACGTATGTGAAAGGGCTCTGCTT-3'
Protein context (NP_000623.2, residues 94-114): AATTSPPQLL[Ala104Val]CGPTVHQTCS

ClinVar aggregate classification (germline): Uncertain significance (1 of 4 stars; one submission).

Submission:

Labcorp Genetics (formerly Invitae), Labcorp
Classification: Uncertain significance. Last evaluated: 2025-07-30. Review status: criteria provided, single submitter. Criteria: Invitae Variant Classification Sherloc (09022015). Collection method: clinical testing. Allele origin: germline.
Comment: This sequence change replaces alanine, which is neutral and non-polar, with valine, which is neutral and non-polar, at codon 104 of the ITGAM protein (p.Ala104Val). This variant is not present in population databases (gnomAD no frequency). This variant has not been reported in the literature in individuals affected with ITGAM-related conditions. An algorithm developed to predict the effect of missense changes on protein structure and function (PolyPhen-2) suggests that this variant is likely to be disruptive. In summary, the available evidence is currently insufficient to determine the role of this variant in disease. Therefore, it has been classified as a Variant of Uncertain Significance.